The following is an entry in ClinVar:

ClinVar aggregate classification (germline): Uncertain significance (1 of 4 stars; one submission).

Conditions:
Hereditary cancer-predisposing syndrome. Also called: Hereditary neoplastic syndrome; Neoplastic Syndromes, Hereditary; Tumor predisposition; Hereditary Cancer Syndrome. Identifiers: Orphanet 140162, MedGen C0027672, MeSH D009386, MONDO:0015356.

Submission:

Ambry Genetics
Classification: Uncertain significance for Hereditary cancer-predisposing syndrome. Last evaluated: 2025-08-27. Review status: criteria provided, single submitter. Criteria: Ambry Variant Classification Scheme 2023. Collection method: clinical testing. Allele origin: germline.
Comment: The p.N545K variant (also known as c.1635C>G), located in coding exon 16 of the MUTYH gene, results from a C to G substitution at nucleotide position 1635. The asparagine at codon 545 is replaced by lysine, an amino acid with similar properties. This amino acid position is conserved. In addition, this alteration is predicted to be tolerated by in silico analysis. Based on the available evidence, the clinical significance of this variant remains unclear.

NM_001048174.2(MUTYH):c.1551C>G (p.Asn517Lys)

Gene: MUTYH (mutY DNA glycosylase; minus strand). Cytogenetic location: 1p34.1.
Variant type: single nucleotide variant.
Coding change: c.1551C>G on transcript NM_001048174.2 (MANE Select); coding-DNA position 1551, C replaced by G.
Protein change: p.Asn517Lys; replaces asparagine 517 with lysine.
Molecular consequence: missense variant. On other transcripts: non-coding transcript variant (7).
Genome position (GRCh38, 1-based): chr1:45,329,321, G>C on the plus strand (C>G on the coding strand, the complement: MUTYH is on the minus strand). VCF-style: chr1-45329321-G-C. GRCh37 (hg19) VCF-style: chr1-45794993-G-C.
Other names: c.1551C>G, p.Asn517Lys (NM_001048171.2, NM_001048173.2, NM_001293195.2 and 6 more transcripts); c.1554C>G, p.Asn518Lys (NM_001048172.2, NM_001407071.1, NM_001407078.1 and 1 more transcripts); c.1635C>G, p.Asn545Lys (NM_001128425.2); c.1596C>G, p.Asn532Lys (NM_001293190.2); c.1584C>G, p.Asn528Lys (NM_001293191.2, NM_001407069.1, NM_001407077.1); c.1275C>G, p.Asn425Lys (NM_001293192.2, NM_001293196.2, NM_001407091.1); c.1206C>G, p.Asn402Lys (NM_001350650.2, NM_001350651.2, NM_001407082.1); c.1467C>G, p.Asn489Lys (NM_001407075.1); and 5 more; short protein forms N425K, N531K, N503K, N524K, N402K, N489K, N532K, N542K.
Identifiers: ClinVar variation 4113477 (VCV004113477.1).
Genomic context (GRCh38, chr1:45,329,321, plus strand): 5'-TTTACTAACAACAGGATTCTCAGGGAATGGGGGCTTTCAGAGGTGTCACTGGGCTGCACT[G>C]TTGAGGCTGTGTGCATCAGTGGAGATGTGAGACCGAAAGAAATTATCCAGGACTTGCTGG-3'
Protein context (NP_001041639.1, residues 507-521): SHISTDAHSL[Asn517Lys]SAAQ